The following is an entry in ClinVar:

ClinVar aggregate classification (germline): Uncertain significance (1 of 4 stars; one submission).

Conditions:
Ciliary dyskinesia, primary, 37 (CILD37). Also called: CILIARY DYSKINESIA, PRIMARY, 37, WITH OR WITHOUT SITUS INVERSUS. Identifiers: MedGen C4539798, MONDO:0033204, OMIM 617577.
Spermatogenic failure 18. Identifiers: MedGen C4539783, MONDO:0054615, OMIM 617576.

gnomAD v4.1: 1 of 1,602,558 alleles (0.000062%); highest among the groups gnomAD compares: Non-Finnish European, 0.000085%; no homozygotes.

Submission:

Labcorp Genetics (formerly Invitae), Labcorp
Classification: Uncertain significance for Ciliary dyskinesia, primary, 37; Spermatogenic failure 18. Last evaluated: 2024-01-02. Review status: criteria provided, single submitter. Criteria: Invitae Variant Classification Sherloc (09022015). Collection method: clinical testing. Allele origin: germline.
Comment: This sequence change replaces leucine, which is neutral and non-polar, with phenylalanine, which is neutral and non-polar, at codon 2143 of the DNAH1 protein (p.Leu2143Phe). This variant is not present in population databases (gnomAD no frequency). This variant has not been reported in the literature in individuals affected with DNAH1-related conditions. ClinVar contains an entry for this variant (Variation ID: 1480829). Advanced modeling of protein sequence and biophysical properties (such as structural, functional, and spatial information, amino acid conservation, physicochemical variation, residue mobility, and thermodynamic stability) performed at Invitae indicates that this missense variant is expected to disrupt DNAH1 protein function with a positive predictive value of 80%. In summary, the available evidence is currently insufficient to determine the role of this variant in disease. Therefore, it has been classified as a Variant of Uncertain Significance.

NM_015512.5(DNAH1):c.6427C>T (p.Leu2143Phe)

Gene: DNAH1 (dynein axonemal heavy chain 1; plus strand). Cytogenetic location: 3p21.1.
Variant type: single nucleotide variant.
Coding change: c.6427C>T on transcript NM_015512.5 (MANE Select); coding-DNA position 6427, C replaced by T.
Protein change: p.Leu2143Phe; replaces leucine 2143 with phenylalanine.
Molecular consequence: missense variant.
Genome position (GRCh38, 1-based): chr3:52,370,727, C>T. VCF-style: chr3-52370727-C-T. GRCh37 (hg19) VCF-style: chr3-52404743-C-T.
Other names: short protein forms L2143F.
Identifiers: ClinVar variation 1480829 (VCV001480829.6), dbSNP rs2153224723, ClinGen allele CA353161125.
Genomic context (GRCh38, chr3:52,370,727, plus strand): 5'-CCTCAGTCCTACTGGGCCTCACAGCCTGCTTCTCCTCCTGGTTCCCGGCAGCTGACTCTG[C>T]TTTTCCCAGAAGAGGGGCTGGTGTTCGATTACAGGCTGGAGGACGCGGGCATCAGTGGCA-3'
Protein context (NP_056327.4, residues 2133-2153): LKMENEQLTL[Leu2143Phe]FPEEGLVFDY